The following is an entry in ClinVar:

ClinVar aggregate classification (germline): Uncertain significance (1 of 4 stars; one submission).

gnomAD v4.1: 68 of 1,614,042 alleles (0.0042%); highest among the groups gnomAD compares: Non-Finnish European, 0.0052%; no homozygotes.

Submission:

CeGaT Center for Human Genetics Tuebingen
Classification: Uncertain significance. Last evaluated: 2025-11-01. Review status: criteria provided, single submitter. Criteria: CeGaT Center For Human Genetics Tuebingen Variant Classification Criteria Version 2. Collection method: clinical testing. Allele origin: germline. Affected: yes. Observed: 3 variant alleles.
Comment: CFAP52: PVS1:Moderate, PM2:Supporting

NM_145054.5(CFAP52):c.895C>T (p.Arg299Ter)

Gene: CFAP52 (cilia and flagella associated protein 52; plus strand). Cytogenetic location: 17p13.1.
Variant type: single nucleotide variant.
Coding change: c.895C>T on transcript NM_145054.5 (MANE Select); coding-DNA position 895, C replaced by T.
Protein change: p.Arg299Ter; replaces arginine 299 with a stop codon.
Molecular consequence: nonsense.
Genome position (GRCh38, 1-based): chr17:9,612,349, C>T. VCF-style: chr17-9612349-C-T. GRCh37 (hg19) VCF-style: chr17-9515666-C-T.
Other names: c.691C>T, p.Arg231Ter (NM_001080556.2); short protein forms R231*, R299*.
Identifiers: ClinVar variation 4681639 (VCV004681639.5).